The following is an entry in ClinVar:

ClinVar aggregate classification (germline): Uncertain significance (1 of 4 stars; one submission).

Conditions:
Long QT syndrome (LQTS). Identifiers: MedGen C0023976, MeSH D008133, MONDO:0002442. Disease mechanism: loss of function. Inheritance: Various modes of inheritance.

gnomAD v4.1: 3 of 1,613,648 alleles (0.00019%); highest among the groups gnomAD compares: African/African-American, 0.004%; no homozygotes.

Submission:

Labcorp Genetics (formerly Invitae), Labcorp
Classification: Uncertain significance for Long QT syndrome. Last evaluated: 2025-04-28. Review status: criteria provided, single submitter. Criteria: Invitae Variant Classification Sherloc (09022015). Collection method: clinical testing. Allele origin: germline.
Comment: This sequence change replaces histidine, which is basic and polar, with arginine, which is basic and polar, at codon 1752 of the AKAP9 protein (p.His1752Arg). This variant is present in population databases (no rsID available, gnomAD 0.01%). This variant has not been reported in the literature in individuals affected with AKAP9-related conditions. An algorithm developed to predict the effect of missense changes on protein structure and function (PolyPhen-2) suggests that this variant is likely to be disruptive. In summary, the available evidence is currently insufficient to determine the role of this variant in disease. Therefore, it has been classified as a Variant of Uncertain Significance.

NM_005751.5(AKAP9):c.5255A>G (p.His1752Arg)

Gene: AKAP9 (A-kinase anchoring protein 9; plus strand). Cytogenetic location: 7q21.2.
Variant type: single nucleotide variant.
Coding change: c.5255A>G on transcript NM_005751.5 (MANE Select); coding-DNA position 5255, A replaced by G.
Protein change: p.His1752Arg; replaces histidine 1752 with arginine.
Molecular consequence: missense variant.
Genome position (GRCh38, 1-based): chr7:92,045,100, A>G. VCF-style: chr7-92045100-A-G. GRCh37 (hg19) VCF-style: chr7-91674414-A-G.
Other names: c.5255A>G, p.His1752Arg (NM_147185.3); short protein forms H1752R.
Identifiers: ClinVar variation 4754277 (VCV004754277.1).
Genomic context (GRCh38, chr7:92,045,100, plus strand): 5'-TGAAGATCCTCTTAGAAGTTGTAAAGACAACAGCAGCTGTTGAAGAAACAATTGGTCGCC[A>G]TGTCCTTGGGATTCTAGATAGATCTAGTAAAAGCCAGTCATCTGCCAGCCTAATTTGGAG-3'
Protein context (NP_005742.4, residues 1742-1762): TAAVEETIGR[His1752Arg]VLGILDRSSK